The following is an entry in ClinVar:

ClinVar aggregate classification (germline): Uncertain significance (1 of 4 stars; one submission).

Conditions:
ACTA1-related disorder. Also called: ACTA1-related condition.

Submission:

PreventionGenetics, part of Exact Sciences
Classification: Uncertain significance for ACTA1-related condition. Last evaluated: 2025-10-28. Review status: criteria provided, single submitter. Criteria: ACMG Guidelines, 2015. Collection method: clinical testing. Allele origin: germline.
Comment: The ACTA1 c.640A>G variant is predicted to result in the amino acid substitution p.Ile214Val. To our knowledge, this variant has not been reported in the literature or in a large population database (gnomAD), indicating this variant is rare. At this time, the clinical significance of this variant is uncertain due to the absence of conclusive functional and genetic evidence.

NM_001100.4(ACTA1):c.640A>G (p.Ile214Val)

Gene: ACTA1 (actin alpha 1, skeletal muscle; minus strand). Cytogenetic location: 1q42.13.
Variant type: single nucleotide variant.
Coding change: c.640A>G on transcript NM_001100.4 (MANE Select); coding-DNA position 640, A replaced by G.
Protein change: p.Ile214Val; replaces isoleucine 214 with valine.
Molecular consequence: missense variant.
Genome position (GRCh38, 1-based): chr1:229,432,162, T>C on the plus strand (A>G on the coding strand, the complement: ACTA1 is on the minus strand). VCF-style: chr1-229432162-T-C. GRCh37 (hg19) VCF-style: chr1-229567909-T-C.
Other names: short protein forms I214V.
Identifiers: ClinVar variation 2635438 (VCV002635438.2), dbSNP rs2527437383, ClinGen allele CA345147344.